The following is an entry in ClinVar:

ClinVar aggregate classification (germline): Benign (1 of 4 stars; one submission).

Submission:

Laboratory for Molecular Medicine, Mass General Brigham Personalized Medicine
Classification: Benign. Last evaluated: 2016-03-29. Review status: criteria provided, single submitter. Criteria: LMM Criteria. Collection method: clinical testing. Allele origin: germline.
Comment: Variant identified in a genome or exome case(s) and assessed due to predicted null impact of the variant or pathogenic assertions in the literature or databases. Disclaimer: This variant has not undergone full assessment. The following are preliminary notes: Frequency

NM_018198.4(DNAJC11):c.1098-32dup

Gene: DNAJC11 (DnaJ heat shock protein family (Hsp40) member C11; minus strand). Cytogenetic location: 1p36.31.
Variant type: Duplication.
Coding change: c.1098-32dup on transcript NM_018198.4 (MANE Select); 32 bases into the intron before coding-DNA position 1098, one base duplicated (T; older notation c.1098-32dupT).
Molecular consequence: intron variant.
Genome position (GRCh38, 1-based): chr1:6,640,072, A duplicated on the plus strand (T on the coding strand, the reverse complement: DNAJC11 is on the minus strand); the first of 18 consecutive A bases (chr1:6,640,072-6,640,089); duplicating any one gives the same sequence. VCF-style (leftmost placement, unchanged base first): chr1-6640071-C-CA. GRCh37 (hg19) VCF-style: chr1-6700131-C-CA.
Identifiers: ClinVar variation 402790 (VCV000402790.4), dbSNP rs56145914, ClinGen allele CA565568.
Genomic context (GRCh38, chr1:6,640,071, plus strand): 5'-CCGTCAAGTGAATAGGGAAGAAGTATGTCTGACTGGCCCTGTTGAGCCTGGGGAAAAATA[C>CA]AAAAAAAAAAAAAAAAAAGCCAAGATGAATCAGGTTTTCCAGGGAAGGGCAATGGGGTGT-3'